The following is an entry in ClinVar:

ClinVar aggregate classification (germline): Uncertain significance (1 of 4 stars; one submission).

Conditions:
KIDINS220-related disorder. Also called: KIDINS220-related condition.

Allele frequency attached by ClinVar (database versions not stated): gnomAD 0.00001; TOPMed 0.00001.
gnomAD v4.1: 41 of 1,612,760 alleles (0.0025%); highest among the groups gnomAD compares: Non-Finnish European, 0.0033%; no homozygotes.

Submission:

PreventionGenetics, part of Exact Sciences
Classification: Uncertain significance for KIDINS220-related condition. Last evaluated: 2023-03-03. Review status: criteria provided, single submitter. Criteria: ACMG Guidelines, 2015. Collection method: clinical testing. Allele origin: germline.
Comment: The KIDINS220 c.952G>T variant is predicted to result in the amino acid substitution p.Val318Leu. To our knowledge, this variant has not been reported in the literature. This variant is reported in 0.0065% of alleles in individuals of European (Non-Finnish) descent in gnomAD. At this time, the clinical significance of this variant is uncertain due to the absence of conclusive functional and genetic evidence.

NM_020738.4(KIDINS220):c.952G>T (p.Val318Leu)

Gene: KIDINS220 (kinase D interacting substrate 220; minus strand). Cytogenetic location: 2p25.1.
Variant type: single nucleotide variant.
Coding change: c.952G>T on transcript NM_020738.4 (MANE Select); coding-DNA position 952, G replaced by T.
Protein change: p.Val318Leu; replaces valine 318 with leucine.
Molecular consequence: missense variant. On other transcripts: non-coding transcript variant (2).
Genome position (GRCh38, 1-based): chr2:8,798,249, C>A on the plus strand (G>T on the coding strand, the complement: KIDINS220 is on the minus strand). VCF-style: chr2-8798249-C-A. GRCh37 (hg19) VCF-style: chr2-8938379-C-A.
Other names: c.955G>T, p.Val319Leu (NM_001348729.2, NM_001348731.2, NM_001348734.2 and 3 more transcripts); c.952G>T, p.Val318Leu (NM_001348732.2, NM_001348735.2, NM_001348738.2 and 3 more transcripts); c.826G>T, p.Val276Leu (NM_001348736.2); short protein forms V276L, V318L, V319L.
Identifiers: ClinVar variation 2636827 (VCV002636827.1), dbSNP rs1328089029, ClinGen allele CA345771293.
Genomic context (GRCh38, chr2:8,798,249, plus strand): 5'-ATGCCATTTATACCTTTGTGCATATTTCAGTGTCAGGATTGCACTGTAAGATATCTCTCA[C>A]CATTGTTGCATTTCCTTTCTCAACAGCCCAATACAAAGCAGTTTTATTATCCTAGATAAT-3'
Protein context (NP_065789.1, residues 308-328): WAVEKGNATM[Val318Leu]RDILQCNPDT